The following is an entry in ClinVar:

ClinVar aggregate classification (germline): Conflicting classifications of pathogenicity. Review status: criteria provided, conflicting classifications (1 of 4 stars). 12 submissions from 12 submitters: Uncertain significance (1); Benign (2); Likely benign (8). 1 of the submissions does not count toward it. Last evaluated 2026-02-01.

Conditions:
Hereditary cancer-predisposing syndrome. Also called: Tumor predisposition; Hereditary neoplastic syndrome; Hereditary Cancer Syndrome; Neoplastic Syndromes, Hereditary. Identifiers: Orphanet 140162, MedGen C0027672, MeSH D009386, MONDO:0015356.
Familial cancer of breast. Also called: Hereditary breast cancer; hereditary breast carcinoma; BREAST CANCER, FAMILIAL. Identifiers: Orphanet 227535, MedGen C0346153, MONDO:0016419, OMIM 114480. Disease mechanism: loss of function.
Fanconi anemia complementation group N. Also called: PALB2-Related Fanconi Anemia. Identifiers: Orphanet 84, MedGen C1835817, MONDO:0012565, OMIM 610832. Disease mechanism: loss of function.
Pancreatic cancer, susceptibility to, 3. Identifiers: Orphanet 1333, MedGen C3150547, MONDO:0013236, OMIM 613348.
Hereditary breast ovarian cancer syndrome. Also called: Hereditary breast and ovarian cancer; Hereditary breast and/or ovarian cancer syndrome; BRCA1- and BRCA2-Associated Hereditary Breast and Ovarian Cancer; Hereditary breast and ovarian cancer syndrome (HBOC); Hereditary breast and ovarian cancer syndrome; Breast and ovarian cancer. Identifiers: Orphanet 145, MedGen C0677776, MeSH D061325, MONDO:0003582. Disease mechanism: loss of function.

Allele frequency attached by ClinVar (database versions not stated): gnomAD exomes 0.00002; ExAC 0.00003; gnomAD 0.00018 and 0.00021; TOPMed 0.00019; ESP Exome Variant Server 0.00023.

Submissions (12):

Labcorp Genetics (formerly Invitae), Labcorp
Classification: Likely benign for Familial cancer of breast. Last evaluated: 2026-02-01. Review status: criteria provided, single submitter. Criteria: Invitae Variant Classification Sherloc (09022015). Collection method: clinical testing. Allele origin: germline.

Quest Diagnostics Nichols Institute San Juan Capistrano
Classification: Uncertain significance. Last evaluated: 2025-03-05. Review status: criteria provided, single submitter. Criteria: Quest Diagnostics criteria. Collection method: clinical testing. Allele origin: unknown.
Comment: The PALB2 c.1281T>C (p.Ala427=) synonymous variant has been reported in the published literature in individuals with breast cancer (PMID: 29052111 (2018)). The frequency of this variant in the general population (Genome Aggregation Database) is uninformative in the assessment of its pathogenicity. Analysis of this variant using software algorithms for the prediction of the effect of nucleotide changes on splicing yielded predictions that this variant does not affect PALB2 mRNA splicing. Based on the available information, we are unable to determine the clinical significance of this variant.

CeGaT Center for Human Genetics Tuebingen
Classification: Likely benign. Last evaluated: 2024-09-01. Review status: criteria provided, single submitter. Criteria: CeGaT Center For Human Genetics Tuebingen Variant Classification Criteria Version 2. Collection method: clinical testing. Allele origin: germline. Affected: yes. Observed: 1 variant allele.
Comment: PALB2: BP4, BP7

Myriad Genetics, Inc.
Classification: Benign for Familial cancer of breast. Last evaluated: 2023-03-31. Review status: criteria provided, single submitter. Criteria: Myriad Autosomal Dominant, Autosomal Recessive and X-Linked Classification Criteria (2023). Collection method: clinical testing. Allele origin: unknown.
Comment: This variant is considered benign. This variant is a silent/synonymous amino acid change and it is not expected to impact splicing.

Fulgent Genetics
Classification: Likely benign for Familial cancer of breast; Fanconi anemia complementation group N; Pancreatic cancer, susceptibility to, 3. Last evaluated: 2022-04-25. Review status: criteria provided, single submitter. Criteria: ACMG Guidelines, 2015. Collection method: clinical testing. Allele origin: unknown.

National Health Laboratory Service, Universitas Academic Hospital and University of the Free State
Classification: Likely benign for Hereditary breast ovarian cancer syndrome. Last evaluated: 2022-04-19. Review status: criteria provided, single submitter. Criteria: ACMG Guidelines, 2015. Collection method: clinical testing. Allele origin: germline. Affected: yes. Observed: 4 variant alleles.

Women's Health and Genetics/Laboratory Corporation of America, LabCorp
Classification: Likely benign. Last evaluated: 2022-02-28. Review status: criteria provided, single submitter. Criteria: LabCorp Variant Classification Summary - May 2015. Collection method: clinical testing. Allele origin: germline.

Sema4
Classification: Likely benign for Hereditary cancer-predisposing syndrome. Last evaluated: 2021-07-19. Review status: criteria provided, single submitter. Criteria: Sema4 Curation Guidelines. Collection method: curation. Allele origin: germline.

Color Diagnostics, LLC DBA Color Health
Classification: Likely benign for Hereditary cancer-predisposing syndrome. Last evaluated: 2016-01-25. Review status: criteria provided, single submitter. Criteria: ACMG Guidelines, 2015. Collection method: clinical testing. Allele origin: germline.

Ambry Genetics
Classification: Likely benign for Hereditary cancer-predisposing syndrome. Last evaluated: 2014-09-05. Review status: criteria provided, single submitter. Criteria: Ambry Variant Classification Scheme 2023. Collection method: clinical testing. Allele origin: germline.

GeneDx
Classification: Benign. Last evaluated: 2014-04-08. Review status: criteria provided, single submitter. Criteria: GeneDx Variant Classification (06012015). Collection method: clinical testing. Allele origin: germline. Affected: yes.
Comment: This variant is considered likely benign or benign based on one or more of the following criteria: it is a conservative change, it occurs at a poorly conserved position in the protein, it is predicted to be benign by multiple in silico algorithms, and/or has population frequency not consistent with disease.

Counsyl
Classification: Likely benign for Familial cancer of breast. Last evaluated: 2016-04-20. Review status: no assertion criteria provided. Collection method: clinical testing. Allele origin: unknown. Not counted in ClinVar's aggregate classification.

Literature cited by the submitters: PubMed 29052111 (cited by Quest Diagnostics Nichols Institute San Juan Capistrano).

NM_024675.4(PALB2):c.1281T>C (p.Ala427=)

Gene: PALB2 (partner and localizer of BRCA2; minus strand). Cytogenetic location: 16p12.2.
Variant type: single nucleotide variant.
Coding change: c.1281T>C on transcript NM_024675.4 (MANE Select); coding-DNA position 1281, T replaced by C.
Protein change: p.Ala427=; no amino-acid change (alanine 427 retained).
Molecular consequence: synonymous variant.
Genome position (GRCh38, 1-based): chr16:23,635,265, A>G on the plus strand (T>C on the coding strand, the complement: PALB2 is on the minus strand). VCF-style: chr16-23635265-A-G. GRCh37 (hg19) VCF-style: chr16-23646586-A-G.
Other names: p.A427A:GCT>GCC; NP_078951.2:p.Ala427=.
Identifiers: ClinVar variation 138577 (VCV000138577.43), dbSNP rs138697796, ClinGen allele CA292659.
Genomic context (GRCh38, chr16:23,635,265, plus strand): 5'-TGCATCCTTATTTTTATTTTTAAACCCTTTTTTCTTGACATCCAAATGACTCTGAATGAC[A>G]GCCTCCACGGCTACTTTCCTCTGGCAATTGGACATGCTTCGTGTTGTTCTAACATAATAT-3'
Protein context (NP_078951.2, residues 417-437): SNCQRKVAVE[Ala427=]VIQSHLDVKK